The following is an entry in ClinVar:

ClinVar aggregate classification (germline): Uncertain significance (1 of 4 stars; one submission).

Conditions:
Nephronophthisis 14 (NPHP14). Identifiers: Orphanet 2318, MedGen C3539071, MONDO:0013916, OMIM 614844.

Submission:

Labcorp Genetics (formerly Invitae), Labcorp
Classification: Uncertain significance for Nephronophthisis 14. Last evaluated: 2025-03-17. Review status: criteria provided, single submitter. Criteria: Invitae Variant Classification Sherloc (09022015). Collection method: clinical testing. Allele origin: germline.
Comment: This sequence change replaces leucine, which is neutral and non-polar, with phenylalanine, which is neutral and non-polar, at codon 580 of the ZNF423 protein (p.Leu580Phe). This variant is not present in population databases (gnomAD no frequency). This variant has not been reported in the literature in individuals affected with ZNF423-related conditions. ClinVar contains an entry for this variant (Variation ID: 1061509). Invitae Evidence Modeling of protein sequence and biophysical properties (such as structural, functional, and spatial information, amino acid conservation, physicochemical variation, residue mobility, and thermodynamic stability) indicates that this missense variant is not expected to disrupt ZNF423 protein function with a negative predictive value of 80%. In summary, the available evidence is currently insufficient to determine the role of this variant in disease. Therefore, it has been classified as a Variant of Uncertain Significance.

NM_001379286.1(ZNF423):c.1762C>T (p.Leu588Phe)

Gene: ZNF423 (zinc finger protein 423; minus strand). Cytogenetic location: 16q12.1.
Variant type: single nucleotide variant.
Coding change: c.1762C>T on transcript NM_001379286.1 (MANE Select); coding-DNA position 1762, C replaced by T.
Protein change: p.Leu588Phe; replaces leucine 588 with phenylalanine.
Molecular consequence: missense variant.
Genome position (GRCh38, 1-based): chr16:49,637,414, G>A on the plus strand (C>T on the coding strand, the complement: ZNF423 is on the minus strand). VCF-style: chr16-49637414-G-A. GRCh37 (hg19) VCF-style: chr16-49671325-G-A.
Other names: c.1558C>T, p.Leu520Phe (NM_001271620.2); c.1387C>T, p.Leu463Phe (NM_001330533.2); c.1738C>T, p.Leu580Phe (NM_015069.5); short protein forms L463F, L520F, L580F, L588F.
Identifiers: ClinVar variation 1061509 (VCV001061509.9), dbSNP rs2151884671, ClinGen allele CA395846561.